The following is an entry in ClinVar:

ClinVar aggregate classification (germline): Uncertain significance (1 of 4 stars; one submission).

Conditions:
Spastic paraplegia. Identifiers: MedGen C0037772, HP:0001258.

Allele frequency attached by ClinVar (database versions not stated): gnomAD 0.00001; gnomAD exomes below 0.00001; TOPMed below 0.00001.
gnomAD v4.1: 6 of 1,601,562 alleles (0.00037%); highest among the groups gnomAD compares: Non-Finnish European, 0.00051%; no homozygotes.

Submission:

Labcorp Genetics (formerly Invitae), Labcorp
Classification: Uncertain significance for Spastic paraplegia. Last evaluated: 2022-06-13. Review status: criteria provided, single submitter. Criteria: Invitae Variant Classification Sherloc (09022015). Collection method: clinical testing. Allele origin: germline.
Comment: In summary, the available evidence is currently insufficient to determine the role of this variant in disease. Therefore, it has been classified as a Variant of Uncertain Significance. Advanced modeling of protein sequence and biophysical properties (such as structural, functional, and spatial information, amino acid conservation, physicochemical variation, residue mobility, and thermodynamic stability) performed at Invitae indicates that this missense variant is not expected to disrupt CYP2U1 protein function. This variant has not been reported in the literature in individuals affected with CYP2U1-related conditions. This variant is not present in population databases (gnomAD no frequency). This sequence change replaces proline, which is neutral and non-polar, with leucine, which is neutral and non-polar, at codon 154 of the CYP2U1 protein (p.Pro154Leu).

NM_183075.3(CYP2U1):c.461C>T (p.Pro154Leu)

Genes: CYP2U1 (cytochrome P450 family 2 subfamily U member 1; plus strand), CYP2U1-AS1 (CYP2U1 and SGMS2 antisense RNA 1; minus strand), LOC129992929 (ATAC-STARR-seq lymphoblastoid active region 21791; plus strand). Cytogenetic location: 4q25.
Variant type: single nucleotide variant.
Coding change: c.461C>T on transcript NM_183075.3 (MANE Select); coding-DNA position 461, C replaced by T.
Protein change: p.Pro154Leu; replaces proline 154 with leucine.
Molecular consequence: missense variant. On other transcripts: non-coding transcript variant (1).
Genome position (GRCh38, 1-based): chr4:107,932,104, C>T. VCF-style: chr4-107932104-C-T. GRCh37 (hg19) VCF-style: chr4-108853260-C-T.
Other names: short protein forms P154L.
Identifiers: ClinVar variation 2051447 (VCV002051447.4), dbSNP rs1309758727, ClinGen allele CA357833362.